The following is an entry in ClinVar:

ClinVar aggregate classification (germline): Uncertain significance (1 of 4 stars; one submission).

Submission:

GeneDx
Classification: Uncertain significance. Last evaluated: 2024-12-06. Review status: criteria provided, single submitter. Criteria: GeneDx Variant Classification Process June 2021. Collection method: clinical testing. Allele origin: germline. Affected: yes.
Comment: Not observed at significant frequency in large population cohorts (gnomAD); In silico analysis supports a deleterious effect on splicing; Has not been previously published as pathogenic or benign to our knowledge

NM_001161352.2(KCNMA1):c.1859+5_1859+8dup

Gene: KCNMA1 (potassium calcium-activated channel subfamily M alpha 1; minus strand). Cytogenetic location: 10q22.3.
Variant type: Duplication.
Coding change: c.1859+5_1859+8dup on transcript NM_001161352.2 (MANE Select); bases 5 to 8 of the intron after coding-DNA position 1859, 4 bases duplicated (GTGA; older notation c.1859+5_1859+8dupGTGA).
Molecular consequence: intron variant.
Genome position (GRCh38, 1-based): chr10:77,039,520-77,039,523, TCAC duplicated on the plus strand (GTGA on the coding strand, the reverse complement: KCNMA1 is on the minus strand); duplicating any 4 consecutive bases within chr10:77,039,520-77,039,524 gives the same sequence; the c. name uses the placement nearest the transcript's 3' end. VCF-style (leftmost placement, unchanged base first): chr10-77039519-G-GTCAC. GRCh37 (hg19) VCF-style: chr10-78799277-G-GTCAC.
Other names: c.1697+5_1697+8dup (NM_001271518.2); c.1859+5_1859+8dup (NM_001322832.2, NM_001410940.1, NM_001322829.2 and 8 more transcripts); c.1319+5_1319+8dup (NM_001322838.2).
Identifiers: ClinVar variation 3901386 (VCV003901386.1).